The following is an entry in ClinVar:

NM_001267550.2(TTN):c.58433-3C>A

Genes: TTN (titin; minus strand), TTN-AS1 (TTN antisense RNA 1; plus strand). Cytogenetic location: 2q31.2.
Variant type: single nucleotide variant.
Coding change: c.58433-3C>A on transcript NM_001267550.2 (MANE Select); 3 bases into the intron before coding-DNA position 58433, C replaced by A.
Molecular consequence: intron variant.
Genome position (GRCh38, 1-based): chr2:178,593,870, G>T on the plus strand (C>A on the coding strand, the complement: TTN is on the minus strand). VCF-style: chr2-178593870-G-T. GRCh37 (hg19) VCF-style: chr2-179458597-G-T.
Other names: c.31238-3C>A (NM_003319.4); c.31814-3C>A (NM_133437.4); c.31613-3C>A (NM_133432.3); c.50729-3C>A (NM_133378.4); c.53510-3C>A (NM_001256850.1).
Identifiers: ClinVar variation 3602403 (VCV003602403.1).

ClinVar aggregate classification (germline): Uncertain significance (1 of 4 stars; one submission).

Submission:

GeneDx
Classification: Uncertain significance. Last evaluated: 2024-07-29. Review status: criteria provided, single submitter. Criteria: GeneDx Variant Classification Process June 2021. Collection method: clinical testing. Allele origin: germline. Affected: yes.
Comment: Not observed at significant frequency in large population cohorts (gnomAD); Has not been previously published as pathogenic or benign to our knowledge; In silico analysis is inconclusive as to whether the variant alters gene splicing. In the absence of RNA/functional studies, the actual effect of this sequence change is unknown.